The following is an entry in ClinVar:

NM_001366006.2(ADGRL2):c.1617C>T (p.Ser539=)

Gene: ADGRL2 (adhesion G protein-coupled receptor L2; plus strand). Cytogenetic location: 1p31.1.
Variant type: single nucleotide variant.
Coding change: c.1617C>T on transcript NM_001366006.2 (MANE Select); coding-DNA position 1617, C replaced by T.
Protein change: p.Ser539=; no amino-acid change (serine 539 retained).
Molecular consequence: synonymous variant. On other transcripts: non-coding transcript variant (1).
Genome position (GRCh38, 1-based): chr1:81,951,965, C>T. VCF-style: chr1-81951965-C-T. GRCh37 (hg19) VCF-style: chr1-82417649-C-T.
Other names: c.1605C>T, p.Ser535= (NM_001297704.3, NM_001297705.3, NM_001297706.3 and 10 more transcripts); c.1617C>T, p.Ser539= (NM_001350698.2, NM_001366003.2, NM_001366004.2 and 4 more transcripts).
Identifiers: ClinVar variation 3038465 (VCV003038465.2), dbSNP rs201068501, ClinGen allele CA922492.
Genomic context (GRCh38, chr1:81,951,965, plus strand): 5'-GCTGTAAACAGAAAAAAAAATTTAAATGAGATAATACAAATTGTTTTTTCAGATCAGAAG[C>T]GGAGAAAATGCTGCTAGTCTTGCCAATGAACTGGCTAAACATACCAAAGGGCCAGTGTTT-3'
Protein context (NP_001352935.1, residues 529-549): WVNQLAQKIR[Ser539=]GENAASLANE

ClinVar aggregate classification (germline): Likely benign (0 of 4 stars; one submission).

Conditions:
ADGRL2-related disorder. Also called: ADGRL2-related condition.

Allele frequency attached by ClinVar (database versions not stated): TOPMed 0.00005; gnomAD 0.00006; ExAC 0.00008; ESP Exome Variant Server 0.00008.
gnomAD v4.1: 88 of 1,600,420 alleles (0.0055%); highest among the groups gnomAD compares: Middle Eastern, 0.4%; 1 homozygote.

Submission:

PreventionGenetics, part of Exact Sciences
Classification: Likely benign for ADGRL2-related condition. Last evaluated: 2019-05-24. Review status: no assertion criteria provided. Collection method: clinical testing. Allele origin: germline.
Comment: This variant is classified as likely benign based on ACMG/AMP sequence variant interpretation guidelines (Richards et al. 2015 PMID: 25741868, with internal and published modifications).